The following is an entry in ClinVar:

NM_004187.5(KDM5C):c.1823G>A (p.Gly608Asp)

Gene: KDM5C (lysine demethylase 5C; minus strand). Cytogenetic location: Xp11.22.
Variant type: single nucleotide variant.
Coding change: c.1823G>A on transcript NM_004187.5 (MANE Select); coding-DNA position 1823, G replaced by A.
Protein change: p.Gly608Asp; replaces glycine 608 with aspartic acid.
Molecular consequence: missense variant. On other transcripts: non-coding transcript variant (3).
Genome position (GRCh38, 1-based): chrX:53,201,897, C>T on the plus strand (G>A on the coding strand, the complement: KDM5C is on the minus strand). VCF-style: chrX-53201897-C-T. GRCh37 (hg19) VCF-style: chrX-53231079-C-T.
Other names: c.1622G>A, p.Gly541Asp (NM_001146702.2); c.1820G>A, p.Gly607Asp (NM_001282622.3, NM_001353979.2, NM_001353982.2); c.1823G>A, p.Gly608Asp (NM_001353978.3, NM_001353981.2, NM_001353984.2); short protein forms G607D, G608D, G541D.
Identifiers: ClinVar variation 2737244 (VCV002737244.3), dbSNP rs2073151214, ClinGen allele CA413124534.
Genomic context (GRCh38, chrX:53,201,897, plus strand): 5'-CCACATTCTAGACTCACCCAGTCAGCAGTGCAAAAGTTGACAGCCTCGGCAAAGTTGTAG[C>T]CTTGGTTGAAGCCGCTGTGGTAAGCACGGGGGAAGGTGATGACAAACTCTCCTGCACACT-3'
Protein context (NP_004178.2, residues 598-618): PRAYHSGFNQ[Gly608Asp]YNFAEAVNFC

ClinVar aggregate classification (germline): Uncertain significance (1 of 4 stars; one submission).

Conditions:
Spastic paraplegia. Identifiers: MedGen C0037772, HP:0001258.

Submission:

Labcorp Genetics (formerly Invitae), Labcorp
Classification: Uncertain significance for Spastic paraplegia. Last evaluated: 2023-07-07. Review status: criteria provided, single submitter. Criteria: Invitae Variant Classification Sherloc (09022015). Collection method: clinical testing. Allele origin: germline.
Comment: This sequence change replaces glycine, which is neutral and non-polar, with aspartic acid, which is acidic and polar, at codon 608 of the KDM5C protein (p.Gly608Asp). This variant is not present in population databases (gnomAD no frequency). In summary, the available evidence is currently insufficient to determine the role of this variant in disease. Therefore, it has been classified as a Variant of Uncertain Significance. Advanced modeling of protein sequence and biophysical properties (such as structural, functional, and spatial information, amino acid conservation, physicochemical variation, residue mobility, and thermodynamic stability) performed at Invitae indicates that this missense variant is expected to disrupt KDM5C protein function. This variant has not been reported in the literature in individuals affected with KDM5C-related conditions.